The following is an entry in ClinVar:

ClinVar aggregate classification (germline): Uncertain significance. Review status: criteria provided, multiple submitters, no conflicts (2 of 4 stars). 2 submissions from 2 submitters: Uncertain significance (2). Last evaluated 2025-08-11.

Conditions:
Inborn genetic diseases. Identifiers: MedGen C0950123, MeSH D030342.

Allele frequency attached by ClinVar (database versions not stated): gnomAD exomes below 0.00001; ExAC 0.00001; gnomAD 0.00001.
gnomAD v4.1: 4 of 1,584,920 alleles (0.00025%); highest among the groups gnomAD compares: African/African-American, 0.0041%; no homozygotes.

Submissions (2):

Ambry Genetics
Classification: Uncertain significance for Inborn genetic diseases. Last evaluated: 2025-08-11. Review status: criteria provided, single submitter. Criteria: Ambry Variant Classification Scheme 2023. Collection method: clinical testing. Allele origin: germline.

Women's Health and Genetics/Laboratory Corporation of America, LabCorp
Classification: Uncertain significance. Last evaluated: 2023-05-30. Review status: criteria provided, single submitter. Criteria: LabCorp Variant Classification Summary - May 2015. Collection method: clinical testing. Allele origin: germline.
Comment: Variant summary: CEP120 c.1469T>C (p.Met490Thr) results in a non-conservative amino acid change located in the C2 domain (IPR000008) of the encoded protein sequence. Three of five in-silico tools predict a damaging effect of the variant on protein function. The variant allele was found at a frequency of 4.4e-06 in 228850 control chromosomes (gnomAD). The available data on variant occurrences in the general population are insufficient to allow any conclusion about variant significance. To our knowledge, no occurrence of c.1469T>C in individuals affected with CEP120-Related Disorders and no experimental evidence demonstrating its impact on protein function have been reported. No clinical diagnostic laboratories have submitted clinical-significance assessments for this variant to ClinVar after 2014. Based on the evidence outlined above, the variant was classified as uncertain significance.

NM_001375405.1(CEP120):c.1469T>C (p.Met490Thr)

Gene: CEP120 (centrosomal protein 120; minus strand). Cytogenetic location: 5q23.2.
Variant type: single nucleotide variant.
Coding change: c.1469T>C on transcript NM_001375405.1 (MANE Select); coding-DNA position 1469, T replaced by C.
Protein change: p.Met490Thr; replaces methionine 490 with threonine.
Molecular consequence: missense variant. On other transcripts: non-coding transcript variant (1).
Genome position (GRCh38, 1-based): chr5:123,386,629, A>G on the plus strand (T>C on the coding strand, the complement: CEP120 is on the minus strand). VCF-style: chr5-123386629-A-G. GRCh37 (hg19) VCF-style: chr5-122722323-A-G.
Other names: c.1391T>C, p.Met464Thr (NM_001166226.2); c.1334T>C, p.Met445Thr (NM_001375406.1); c.1469T>C, p.Met490Thr (NM_001375407.1, NM_153223.4); c.896T>C, p.Met299Thr (NM_001375408.1, NM_001375409.1); short protein forms M299T, M445T, M464T, M490T.
Identifiers: ClinVar variation 2506106 (VCV002506106.2), dbSNP rs780030706, ClinGen allele CA3386946.
Genomic context (GRCh38, chr5:123,386,629, plus strand): 5'-CAGTAAGACTGGGGAAGAAAAACTTCCATGTTTTTCCGAACTTCTACAGGAGGATTAGTC[A>G]TAATAGGAGCTGCACTTCCAAAGAATGGATATGAGTACCTAGAATTTAAAAAAAAAAAAA-3'
Protein context (NP_001362334.1, residues 480-500): YPFFGSAAPI[Met490Thr]TNPPVEVRKN